The following is an entry in ClinVar:

ClinVar aggregate classification (germline): Uncertain significance (1 of 4 stars; one submission).

Conditions:
Left ventricular noncompaction 8 (LVNC8). Identifiers: Orphanet 154, Orphanet 54260, MedGen C3809288, MONDO:0014152, OMIM 615373.

Submission:

Labcorp Genetics (formerly Invitae), Labcorp
Classification: Uncertain significance for Left ventricular noncompaction 8. Last evaluated: 2024-05-01. Review status: criteria provided, single submitter. Criteria: Invitae Variant Classification Sherloc (09022015). Collection method: clinical testing. Allele origin: germline.
Comment: This sequence change replaces leucine, which is neutral and non-polar, with valine, which is neutral and non-polar, at codon 583 of the PRDM16 protein (p.Leu583Val). This variant is not present in population databases (gnomAD no frequency). This variant has not been reported in the literature in individuals affected with PRDM16-related conditions. An algorithm developed to predict the effect of missense changes on protein structure and function (PolyPhen-2) suggests that this variant is likely to be tolerated. In summary, the available evidence is currently insufficient to determine the role of this variant in disease. Therefore, it has been classified as a Variant of Uncertain Significance.

NM_022114.4(PRDM16):c.1747C>G (p.Leu583Val)

Gene: PRDM16 (PR/SET domain 16; plus strand). Cytogenetic location: 1p36.32.
Variant type: single nucleotide variant.
Coding change: c.1747C>G on transcript NM_022114.4 (MANE Select); coding-DNA position 1747, C replaced by G.
Protein change: p.Leu583Val; replaces leucine 583 with valine.
Molecular consequence: missense variant.
Genome position (GRCh38, 1-based): chr1:3,411,944, C>G. VCF-style: chr1-3411944-C-G. GRCh37 (hg19) VCF-style: chr1-3328508-C-G.
Other names: c.1747C>G, p.Leu583Val (NM_199454.3); short protein forms L583V.
Identifiers: ClinVar variation 3702835 (VCV003702835.2).